The following is an entry in ClinVar:

ClinVar aggregate classification (germline): Likely benign. Review status: criteria provided, multiple submitters, no conflicts (2 of 4 stars). 2 submissions from 2 submitters: Likely benign (2). Last evaluated 2025-05-01.

Allele frequency attached by ClinVar (database versions not stated): ExAC 0.00001; gnomAD exomes 0.00002 and 0.00006; TOPMed 0.00004; gnomAD 0.00006.
gnomAD v4.1: 100 of 1,611,030 alleles (0.0062%); highest among the groups gnomAD compares: Non-Finnish European, 0.0077%; no homozygotes.

Submissions (2):

CeGaT Center for Human Genetics Tuebingen
Classification: Likely benign. Last evaluated: 2025-05-01. Review status: criteria provided, single submitter. Criteria: CeGaT Center For Human Genetics Tuebingen Variant Classification Criteria Version 2. Collection method: clinical testing. Allele origin: germline. Affected: yes. Observed: 2 variant alleles.
Comment: PACS2: BP4, BP7

Labcorp Genetics (formerly Invitae), Labcorp
Classification: Likely benign. Last evaluated: 2024-09-10. Review status: criteria provided, single submitter. Criteria: Invitae Variant Classification Sherloc (09022015). Collection method: clinical testing. Allele origin: germline.

NM_001100913.3(PACS2):c.126C>T (p.Cys42=)

Gene: PACS2 (phosphofurin acidic cluster sorting protein 2; plus strand). Cytogenetic location: 14q32.33.
Variant type: single nucleotide variant.
Coding change: c.126C>T on transcript NM_001100913.3 (MANE Select); coding-DNA position 126, C replaced by T.
Protein change: p.Cys42=; no amino-acid change (cysteine 42 retained).
Molecular consequence: synonymous variant. On other transcripts: 5 prime UTR variant (1).
Genome position (GRCh38, 1-based): chr14:105,348,499, C>T. VCF-style: chr14-105348499-C-T. GRCh37 (hg19) VCF-style: chr14-105814836-C-T.
Other names: c.-76C>T (NM_001243127.3); c.126C>T, p.Cys42= (NM_015197.4).
Identifiers: ClinVar variation 1595250 (VCV001595250.30), dbSNP rs199554211, ClinGen allele CA7388262.
Genomic context (GRCh38, chr14:105,348,499, plus strand): 5'-CGCGTCCTGAGGAGAGGGCGGAGCCCCGAGGCTGAGCTGTGCCTTGCCTCACAGGTTGTG[C>T]AGCCTGACTCTGAAGAAGCTGGTGGTCTTCAAGGAGCTGGAGAAGGAGCTGATCTCCGTG-3'
Protein context (NP_001094383.2, residues 32-52): GSSPSCVPRL[Cys42=]SLTLKKLVVF